The following is an entry in ClinVar:

ClinVar aggregate classification (germline): Uncertain significance (1 of 4 stars; one submission).

Conditions:
Hereditary cancer-predisposing syndrome. Also called: Hereditary Cancer Syndrome; Hereditary neoplastic syndrome; Neoplastic Syndromes, Hereditary; Tumor predisposition. Identifiers: Orphanet 140162, MedGen C0027672, MeSH D009386, MONDO:0015356.

Submission:

Ambry Genetics
Classification: Uncertain significance for Hereditary cancer-predisposing syndrome. Last evaluated: 2025-07-30. Review status: criteria provided, single submitter. Criteria: Ambry Variant Classification Scheme 2023. Collection method: clinical testing. Allele origin: germline.
Comment: The c.694_696dupGAG variant (also known as p.E232dup), located in coding exon 2 of the HOXB13 gene, results from an in-frame duplication of GAG at nucleotide positions 694 to 696. This results in the duplication of an extra residue between codons 232 and 233. This amino acid position is highly conserved in available vertebrate species. In addition, this variant is predicted to be deleterious by in silico analysis (Choi Y et al. PLoS ONE. 2012; 7(10):e46688). Based on the available evidence, the clinical significance of this variant remains unclear.

NM_006361.6(HOXB13):c.694_696dup (p.Glu232_Arg233insGlu)

Gene: HOXB13 (homeobox B13; minus strand). Cytogenetic location: 17q21.32.
Variant type: Duplication.
Coding change: c.694_696dup on transcript NM_006361.6 (MANE Select); coding-DNA positions 694 to 696, 3 bases duplicated (GAG; older notation c.694_696dupGAG).
Protein change: p.Glu232_Arg233insGlu.
Molecular consequence: inframe indel (on NM_006361.5).
Genome position (GRCh38, 1-based): chr17:48,726,949-48,726,951, CTC duplicated on the plus strand (GAG on the coding strand, the reverse complement: HOXB13 is on the minus strand); duplicating any 3 consecutive bases within chr17:48,726,949-48,726,952 gives the same sequence; the c. name uses the placement nearest the transcript's 3' end. VCF-style (leftmost placement, unchanged base first): chr17-48726948-G-GCTC. GRCh37 (hg19) VCF-style: chr17-46804310-G-GCTC.
Other names: c.694_696dupGAG (NM_006361.5).
Identifiers: ClinVar variation 4271775 (VCV004271775.1).